The following is an entry in ClinVar:

ClinVar aggregate classification (germline): Uncertain significance (1 of 4 stars; one submission).

Conditions:
Global developmental delay, absent or hypoplastic corpus callosum, and dysmorphic facies (GDACCF). Identifiers: MedGen C4310644, MONDO:0014994, OMIM 617260.

Submission:

Diagnostics Services (NGS), CSIR - Centre For Cellular And Molecular Biology
Classification: Uncertain significance for Global developmental delay, absent or hypoplastic corpus callosum, and dysmorphic facies. Last evaluated: 2025-12-09. Review status: criteria provided, single submitter. Criteria: ACMG Guidelines, 2015. Collection method: clinical testing. Allele origin: germline. Observed: 1 variant allele, 1 heterozygote.
Comment: The c.1430_1432dup variant is not present in 1000 Genomes, EVS, gnomAD, Indian Exome Database or our internal database. This variant has neither been published in the literature for ZNF148-related conditions nor reported to clinical databases like Human Genome Mutation database (HGMD), OMIM, or ClinVar in any affected individuals. In-silico pathogenicity prediction programs like MutationTaster2021, CADD, etc predicted this variant to be likely deleterious. This variant is present in a non-repeat region of the gene which causes in-frame insertion of a single amino acid that changes the protein length.

NM_021964.3(ZNF148):c.1430_1432dup (p.Leu477_Gln478insLeu)

Gene: ZNF148 (zinc finger protein 148; minus strand). Cytogenetic location: 3q21.2.
Variant type: Duplication.
Coding change: c.1430_1432dup on transcript NM_021964.3 (MANE Select); coding-DNA positions 1430 to 1432, 3 bases duplicated (TTC; older notation c.1430_1432dupTTC).
Protein change: p.Leu477_Gln478insLeu.
Genome position (GRCh38, 1-based): chr3:125,233,294-125,233,296, GAA duplicated on the plus strand (TTC on the coding strand, the reverse complement: ZNF148 is on the minus strand); duplicating any 3 consecutive bases within chr3:125,233,294-125,233,298 gives the same sequence; the c. name uses the placement nearest the transcript's 3' end. VCF-style (leftmost placement, unchanged base first): chr3-125233293-T-TGAA. GRCh37 (hg19) VCF-style: chr3-124952137-T-TGAA.
Other names: c.1430_1432dup, p.Leu477_Gln478insLeu (NM_001348424.1, NM_001348425.2, NM_001348426.2 and 7 more transcripts); c.1304_1306dup, p.Leu435_Gln436insLeu (NM_001348434.2).
Identifiers: ClinVar variation 4849696 (VCV004849696.1).